The following is an entry in ClinVar:

ClinVar aggregate classification (germline): Pathogenic (1 of 4 stars; one submission).

Conditions:
Deafness-lymphedema-leukemia syndrome. Also called: Emberger syndrome; Lymphedema, primary, with myelodysplasia. Identifiers: Orphanet 3226, MedGen C3279664, MONDO:0013540, OMIM 614038.
GATA2 deficiency with susceptibility to MDS/AML. Identifiers: MedGen CN300066, MONDO:0042982.

Submission:

Molecular Pathology Research Laboratory, SA Pathology
Classification: Pathogenic for GATA2 deficiency with susceptibility to MDS/AML; Deafness-lymphedema-leukemia syndrome. Last evaluated: 2021-07-06. Review status: criteria provided, single submitter. Criteria: ACMG Guidelines, 2015. Collection method: curation. Allele origin: unknown. Inheritance: Autosomal dominant inheritance. Affected: yes. Observed: 1 variant allele.
Comment: PVS1, PS4_Supporting, PM2

Literature cited by the submitters: PubMed 33417088.

NM_032638.5(GATA2):c.1035_1036insTCTGGCC (p.Gly346fs)

Gene: GATA2 (GATA binding protein 2; minus strand). Cytogenetic location: 3q21.3.
Variant type: Insertion.
Coding change: c.1035_1036insTCTGGCC on transcript NM_032638.5 (MANE Select); coding-DNA positions 1035 to 1036, TCTGGCC inserted.
Protein change: p.Gly346fs; shifts the reading frame from glycine 346.
Molecular consequence: frameshift variant. On other transcripts: intron variant (1).
Genome position: GRCh38 VCF-style: chr3-128481926-C-CGGCCAGA. GRCh37 (hg19) VCF-style: chr3-128200769-C-CGGCCAGA.
Other names: c.1035_1036insTCTGGCC, p.Gly346fs (NM_001145661.2); c.1018-25_1018-24insGCCTCTG (NM_001145662.1); short protein forms G346fs.
Identifiers: ClinVar variation 1184221 (VCV001184221.1), dbSNP rs2107668788, ClinGen allele CA2499216440.